The following is an entry in ClinVar:

NM_001244008.2(KIF1A):c.3069G>C (p.Gln1023His)

Gene: KIF1A (kinesin family member 1A; minus strand). Cytogenetic location: 2q37.3.
Variant type: single nucleotide variant.
Coding change: c.3069G>C on transcript NM_001244008.2 (MANE Select); coding-DNA position 3069, G replaced by C.
Protein change: p.Gln1023His; replaces glutamine 1023 with histidine.
Molecular consequence: missense variant.
Genome position (GRCh38, 1-based): chr2:240,746,172, C>G on the plus strand (G>C on the coding strand, the complement: KIF1A is on the minus strand). VCF-style: chr2-240746172-C-G. GRCh37 (hg19) VCF-style: chr2-241685589-C-G.
Other names: c.2793G>C, p.Gln931His (NM_001320705.2, NM_001330289.2, NM_001379638.1); c.2868G>C, p.Gln956His (NM_001330290.2, NM_001379634.1, NM_001379635.1 and 1 more transcripts); c.3144G>C, p.Gln1048His (NM_001379631.1); c.3018G>C, p.Gln1006His (NM_001379632.1); c.3042G>C, p.Gln1014His (NM_001379633.1, NM_001379642.1, NM_001379645.1); c.2766G>C, p.Gln922His (NM_001379636.1, NM_001379639.1, NM_001379640.1 and 6 more transcripts); c.2841G>C, p.Gln947His (NM_001379637.1, NM_001379648.1); short protein forms Q1006H, Q1014H, Q1023H, Q1048H, Q922H, Q931H, Q947H, Q956H.
Identifiers: ClinVar variation 3760973 (VCV003760973.3).

ClinVar aggregate classification (germline): Uncertain significance. Review status: criteria provided, multiple submitters, no conflicts (2 of 4 stars). 2 submissions from 2 submitters: Uncertain significance (2). Last evaluated 2024-07-31.

Conditions:
Neuropathy, hereditary sensory, type 2C. Also called: Hereditary sensory and autonomic neuropathy type IIC; KIF1A-Related HSAN2 (HSAN2C). Identifiers: Orphanet 970, MedGen C3280168, MONDO:0013634, OMIM 614213.
Intellectual disability, autosomal dominant 9 (NESCAVS). Also called: NESCAV SYNDROME; KIF1A-Related Neurodevelopmental Disorder. Identifiers: Orphanet 662367, MedGen C5393830, MONDO:0013656, OMIM 614255.
Hereditary spastic paraplegia 30. Identifiers: Orphanet 101010, MedGen C5235139, MONDO:0012476.

gnomAD v4.1: 4 of 1,562,170 alleles (0.00026%); highest among the groups gnomAD compares: Non-Finnish European, 0.00035%; no homozygotes.

Submissions (2):

Labcorp Genetics (formerly Invitae), Labcorp
Classification: Uncertain significance for Hereditary spastic paraplegia 30; Neuropathy, hereditary sensory, type 2C; Intellectual disability, autosomal dominant 9. Last evaluated: 2024-07-31. Review status: criteria provided, single submitter. Criteria: Invitae Variant Classification Sherloc (09022015). Collection method: clinical testing. Allele origin: germline.
Comment: This sequence change replaces glutamine, which is neutral and polar, with histidine, which is basic and polar, at codon 922 of the KIF1A protein (p.Gln922His). This variant is not present in population databases (gnomAD no frequency). This missense change has been observed in individual(s) with clinical features of KIF1A-related conditions (PMID: 32631363). Advanced modeling of protein sequence and biophysical properties (such as structural, functional, and spatial information, amino acid conservation, physicochemical variation, residue mobility, and thermodynamic stability) has been performed at Invitae for this missense variant, however the output from this modeling did not meet the statistical confidence thresholds required to predict the impact of this variant on KIF1A protein function. In summary, the available evidence is currently insufficient to determine the role of this variant in disease. Therefore, it has been classified as a Variant of Uncertain Significance.

Blueprint Genetics
Classification: Uncertain significance. Last evaluated: 2023-09-15. Review status: criteria provided, single submitter. Criteria: ACMG Guidelines, 2015. Collection method: clinical testing. Allele origin: germline.

Literature cited by the submitters: PubMed 32631363 (cited by Labcorp Genetics (formerly Invitae), Labcorp).